The following is an entry in ClinVar:

ClinVar aggregate classification (germline): Uncertain significance (1 of 4 stars; one submission).

gnomAD v4.1: 1 of 1,609,128 alleles (0.000062%); highest among the groups gnomAD compares: Non-Finnish European, 0.000085%; no homozygotes.

Submission:

Labcorp Genetics (formerly Invitae), Labcorp
Classification: Uncertain significance. Last evaluated: 2024-09-15. Review status: criteria provided, single submitter. Criteria: Invitae Variant Classification Sherloc (09022015). Collection method: clinical testing. Allele origin: germline.
Comment: This sequence change replaces valine, which is neutral and non-polar, with methionine, which is neutral and non-polar, at codon 18 of the ARL3 protein (p.Val18Met). This variant is present in population databases (rs757334225, gnomAD 0.006%). This variant has not been reported in the literature in individuals affected with ARL3-related conditions. An algorithm developed to predict the effect of missense changes on protein structure and function (PolyPhen-2) suggests that this variant is likely to be tolerated. In summary, the available evidence is currently insufficient to determine the role of this variant in disease. Therefore, it has been classified as a Variant of Uncertain Significance.

NM_004311.4(ARL3):c.52G>A (p.Val18Met)

Gene: ARL3 (ARF like GTPase 3; minus strand). Cytogenetic location: 10q24.32.
Variant type: single nucleotide variant.
Coding change: c.52G>A on transcript NM_004311.4 (MANE Select); coding-DNA position 52, G replaced by A.
Protein change: p.Val18Met; replaces valine 18 with methionine.
Molecular consequence: missense variant.
Genome position (GRCh38, 1-based): chr10:102,705,441, C>T on the plus strand (G>A on the coding strand, the complement: ARL3 is on the minus strand). VCF-style: chr10-102705441-C-T. GRCh37 (hg19) VCF-style: chr10-104465198-C-T.
Other names: short protein forms V18M.
Identifiers: ClinVar variation 3717434 (VCV003717434.2).